The following is an entry in ClinVar:

ClinVar aggregate classification (germline): Uncertain significance (1 of 4 stars; one submission).

Conditions:
X-linked severe combined immunodeficiency (SCIDX1). Also called: X-Linked Combined Immunodeficiency Diseases; IMMUNODEFICIENCY 4; SCID, X-LINKED; SEVERE COMBINED IMMUNODEFICIENCY, X-LINKED, T CELL-NEGATIVE, B CELL-POSITIVE, NK CELL-NEGATIVE; T-B+ severe combined immunodeficiency due to gamma chain deficiency. Identifiers: Orphanet 276, MedGen C6022468, MONDO:0010315, OMIM 300400. Disease mechanism: loss of function.

Submission:

Labcorp Genetics (formerly Invitae), Labcorp
Classification: Uncertain significance for X-linked severe combined immunodeficiency. Last evaluated: 2023-03-17. Review status: criteria provided, single submitter. Criteria: Invitae Variant Classification Sherloc (09022015). Collection method: clinical testing. Allele origin: germline.
Comment: This variant is not present in population databases (gnomAD no frequency). In summary, the available evidence is currently insufficient to determine the role of this variant in disease. Therefore, it has been classified as a Variant of Uncertain Significance. Algorithms developed to predict the effect of sequence changes on RNA splicing suggest that this variant may disrupt the consensus splice site. Advanced modeling of protein sequence and biophysical properties (such as structural, functional, and spatial information, amino acid conservation, physicochemical variation, residue mobility, and thermodynamic stability) performed at Invitae indicates that this missense variant is not expected to disrupt IL2RG protein function. This missense change has been observed in individual(s) with severe combined immunodeficiency (SCID) (PMID: 23250629). This sequence change replaces valine, which is neutral and non-polar, with methionine, which is neutral and non-polar, at codon 279 of the IL2RG protein (p.Val279Met).

Literature cited by the submitters: PubMed 23250629.

NM_000206.3(IL2RG):c.835G>A (p.Val279Met)

Gene: IL2RG (interleukin 2 receptor subunit gamma; minus strand). Cytogenetic location: Xq13.1.
Variant type: single nucleotide variant.
Coding change: c.835G>A on transcript NM_000206.3 (MANE Select); coding-DNA position 835, G replaced by A.
Protein change: p.Val279Met; replaces valine 279 with methionine.
Molecular consequence: missense variant.
Genome position (GRCh38, 1-based): chrX:71,108,618, C>T on the plus strand (G>A on the coding strand, the complement: IL2RG is on the minus strand). VCF-style: chrX-71108618-C-T. GRCh37 (hg19) VCF-style: chrX-70328468-C-T.
Other names: short protein forms V279M.
Identifiers: ClinVar variation 2737247 (VCV002737247.3), dbSNP rs2521703302, ClinGen allele CA413628561.